The following is an entry in ClinVar:

ClinVar aggregate classification (germline): Uncertain significance (1 of 4 stars; one submission).

gnomAD v4.1: 7 of 1,608,024 alleles (0.00044%); highest among the groups gnomAD compares: Non-Finnish European, 0.00059%; no homozygotes.

Submission:

Labcorp Genetics (formerly Invitae), Labcorp
Classification: Uncertain significance. Last evaluated: 2024-11-22. Review status: criteria provided, single submitter. Criteria: Invitae Variant Classification Sherloc (09022015). Collection method: clinical testing. Allele origin: germline.
Comment: This sequence change replaces glycine, which is neutral and non-polar, with aspartic acid, which is acidic and polar, at codon 1218 of the OBSL1 protein (p.Gly1218Asp). This variant is not present in population databases (gnomAD no frequency). This variant has not been reported in the literature in individuals affected with OBSL1-related conditions. An algorithm developed to predict the effect of missense changes on protein structure and function (PolyPhen-2) suggests that this variant is likely to be disruptive. In summary, the available evidence is currently insufficient to determine the role of this variant in disease. Therefore, it has been classified as a Variant of Uncertain Significance.

NM_015311.3(OBSL1):c.3653G>A (p.Gly1218Asp)

Gene: OBSL1 (obscurin like cytoskeletal adaptor 1; minus strand). Cytogenetic location: 2q35.
Variant type: single nucleotide variant.
Coding change: c.3653G>A on transcript NM_015311.3 (MANE Select); coding-DNA position 3653, G replaced by A.
Protein change: p.Gly1218Asp; replaces glycine 1218 with aspartic acid.
Molecular consequence: missense variant.
Genome position (GRCh38, 1-based): chr2:219,557,960, C>T on the plus strand (G>A on the coding strand, the complement: OBSL1 is on the minus strand). VCF-style: chr2-219557960-C-T. GRCh37 (hg19) VCF-style: chr2-220422682-C-T.
Other names: c.3653G>A, p.Gly1218Asp (NM_001173431.2); short protein forms G1218D.
Identifiers: ClinVar variation 3699894 (VCV003699894.2).